The following is an entry in ClinVar:

NM_005076.5(CNTN2):c.1192G>C (p.Glu398Gln)

Gene: CNTN2 (contactin 2; plus strand). Cytogenetic location: 1q32.1.
Variant type: single nucleotide variant.
Coding change: c.1192G>C on transcript NM_005076.5 (MANE Select); coding-DNA position 1192, G replaced by C.
Protein change: p.Glu398Gln; replaces glutamic acid 398 with glutamine.
Molecular consequence: missense variant. On other transcripts: non-coding transcript variant (1).
Genome position (GRCh38, 1-based): chr1:205,062,521, G>C. VCF-style: chr1-205062521-G-C. GRCh37 (hg19) VCF-style: chr1-205031649-G-C.
Other names: c.1192G>C, p.Glu398Gln (NM_001346083.2); short protein forms E398Q.
Identifiers: ClinVar variation 1438489 (VCV001438489.3), dbSNP rs761256115, ClinGen allele CA344374552.

ClinVar aggregate classification (germline): Uncertain significance (1 of 4 stars; one submission).

Conditions:
Epilepsy, familial adult myoclonic, 5 (EPEO5). Also called: CORTICAL MYOCLONIC TREMOR WITH EPILEPSY, FAMILIAL, 5. Identifiers: Orphanet 86814, MedGen C3809374, MONDO:0014167, OMIM 615400.

Allele frequency attached by ClinVar (database versions not stated): TOPMed 0.00001; gnomAD 0.00001.
gnomAD v4.1: 3 of 1,614,034 alleles (0.00019%); highest among the groups gnomAD compares: African/African-American, 0.0027%; no homozygotes.

Submission:

Labcorp Genetics (formerly Invitae), Labcorp
Classification: Uncertain significance for Epilepsy, familial adult myoclonic, 5. Last evaluated: 2022-10-17. Review status: criteria provided, single submitter. Criteria: Invitae Variant Classification Sherloc (09022015). Collection method: clinical testing. Allele origin: germline.
Comment: This sequence change replaces glutamic acid, which is acidic and polar, with glutamine, which is neutral and polar, at codon 398 of the CNTN2 protein (p.Glu398Gln). This variant is not present in population databases (gnomAD no frequency). This variant has not been reported in the literature in individuals affected with CNTN2-related conditions. ClinVar contains an entry for this variant (Variation ID: 1438489). Advanced modeling of protein sequence and biophysical properties (such as structural, functional, and spatial information, amino acid conservation, physicochemical variation, residue mobility, and thermodynamic stability) performed at Invitae indicates that this missense variant is not expected to disrupt CNTN2 protein function. In summary, the available evidence is currently insufficient to determine the role of this variant in disease. Therefore, it has been classified as a Variant of Uncertain Significance.